The following is an entry in ClinVar:

NM_000350.3(ABCA4):c.30_32del (p.Leu10_Leu11delinsPhe)

Gene: ABCA4 (ATP binding cassette subfamily A member 4; minus strand). Cytogenetic location: 1p22.1.
Variant type: Deletion.
Coding change: c.30_32del on transcript NM_000350.3 (MANE Select); coding-DNA positions 30 to 32, 3 bases deleted (GCT; older notation c.30_32delGCT).
Protein change: p.Leu10_Leu11delinsPhe.
Molecular consequence: inframe indel.
Genome position (GRCh38, 1-based): chr1:94,121,014-94,121,016, AGC deleted on the plus strand (GCT on the coding strand, the reverse complement: ABCA4 is on the minus strand); deleting any 3 consecutive bases within chr1:94,121,014-94,121,017 gives the same sequence; the c. name uses the placement nearest the transcript's 3' end. VCF-style (leftmost placement, unchanged base first): chr1-94121013-GAGC-G. GRCh37 (hg19) VCF-style: chr1-94586569-GAGC-G.
Other names: c.29_31delTGC, p.Leu10_Leu11delinsPhe (NM_001425324.1).
Identifiers: ClinVar variation 2852953 (VCV002852953.3), dbSNP rs2524048067, ClinGen allele CA2739272684.

ClinVar aggregate classification (germline): Pathogenic (1 of 4 stars; one submission).

Submission:

Labcorp Genetics (formerly Invitae), Labcorp
Classification: Pathogenic. Last evaluated: 2023-04-06. Review status: criteria provided, single submitter. Criteria: Invitae Variant Classification Sherloc (09022015). Collection method: clinical testing. Allele origin: germline.
Comment: This variant disrupts a region of the ABCA4 protein in which other variant(s) (p.Leu11Pro) have been determined to be pathogenic (PMID: 17325136, 19365591, 29925512, 30093795). This suggests that this is a clinically significant region of the protein, and that variants that disrupt it are likely to be disease-causing. This variant has not been reported in the literature in individuals affected with ABCA4-related conditions. For these reasons, this variant has been classified as Pathogenic. This variant, c.30_32del, results in the deletion of one amino acid(s) of the ABCA4 protein (p.Leu10_Leu11delinsPhe), but otherwise preserves the integrity of the reading frame. This variant is not present in population databases (gnomAD no frequency).

Literature cited by the submitters: PubMed 17325136; PubMed 19365591; PubMed 29925512; PubMed 30093795.